The following is an entry in ClinVar:

ClinVar aggregate classification (germline): Uncertain significance (1 of 4 stars; one submission).

Conditions:
NUP188-related disorder. Also called: NUP188-related condition.

gnomAD v4.1: 5 of 1,614,018 alleles (0.00031%); highest among the groups gnomAD compares: African/African-American, 0.0013%; no homozygotes.

Submission:

PreventionGenetics, part of Exact Sciences
Classification: Uncertain significance for NUP188-related condition. Last evaluated: 2026-03-18. Review status: criteria provided, single submitter. Criteria: ACMG Guidelines, 2015. Collection method: clinical testing. Allele origin: germline.
Comment: The NUP188 c.2164C>T variant is predicted to result in the amino acid substitution p.Arg722Cys. To our knowledge, this variant has not been reported in the literature or in a large population database (gnomAD), indicating this variant is rare. At this time, the clinical significance of this variant is uncertain due to the absence of conclusive functional and genetic evidence.

NM_015354.3(NUP188):c.2164C>T (p.Arg722Cys)

Gene: NUP188 (nucleoporin 188; plus strand). Cytogenetic location: 9q34.11.
Variant type: single nucleotide variant.
Coding change: c.2164C>T on transcript NM_015354.3 (MANE Select); coding-DNA position 2164, C replaced by T.
Protein change: p.Arg722Cys; replaces arginine 722 with cysteine.
Molecular consequence: missense variant.
Genome position (GRCh38, 1-based): chr9:128,986,645, C>T. VCF-style: chr9-128986645-C-T. GRCh37 (hg19) VCF-style: chr9-131748924-C-T.
Other names: short protein forms R722C.
Identifiers: ClinVar variation 4978219 (VCV004978219.1).